The following is an entry in ClinVar:

ClinVar aggregate classification (germline): Benign/Likely benign. Review status: criteria provided, multiple submitters, no conflicts (2 of 4 stars). 5 submissions from 5 submitters: Benign (1); Likely benign (4). Last evaluated 2026-05-01.

Conditions:
D-2-hydroxyglutaric aciduria 1 (D2HGA1). Identifiers: Orphanet 79315, MedGen C3152055, MONDO:0024554, OMIM 600721.

Allele frequency attached by ClinVar (database versions not stated): 1000 Genomes Project 0.00060; 1000 Genomes Project 30x 0.00062; TOPMed 0.00156; gnomAD 0.00170 and 0.00176; gnomAD exomes 0.00180 and 0.00268; ExAC 0.00191; ESP Exome Variant Server 0.00231.

Submissions (5):

CeGaT Center for Human Genetics Tuebingen
Classification: Likely benign. Last evaluated: 2026-05-01. Review status: criteria provided, single submitter. Criteria: CeGaT Center For Human Genetics Tuebingen Variant Classification Criteria Version 2. Collection method: clinical testing. Allele origin: germline. Affected: yes. Observed: 2 variant alleles.
Comment: D2HGDH: BP4, BP7

Labcorp Genetics (formerly Invitae), Labcorp
Classification: Benign for D-2-hydroxyglutaric aciduria 1. Last evaluated: 2026-01-19. Review status: criteria provided, single submitter. Criteria: Invitae Variant Classification Sherloc (09022015). Collection method: clinical testing. Allele origin: germline.

Blueprint Genetics
Classification: Likely benign. Last evaluated: 2024-11-22. Review status: criteria provided, single submitter. Criteria: ACMG Guidelines, 2015. Collection method: clinical testing. Allele origin: germline.

Illumina Laboratory Services, Illumina
Classification: Likely benign for D-2-hydroxyglutaric aciduria 1. Last evaluated: 2018-01-13. Review status: criteria provided, single submitter. Criteria: ICSL Variant Classification Criteria 13 December 2019. Collection method: clinical testing. Allele origin: germline.
Comment: This variant was observed in the ICSL laboratory as part of a predisposition screen in an ostensibly healthy population. It had not been previously curated by ICSL or reported in the Human Gene Mutation Database (HGMD: prior to June 1st, 2018), and was therefore a candidate for classification through an automated scoring system. Utilizing variant allele frequency, disease prevalence and penetrance estimates, and inheritance mode, an automated score was calculated to assess if this variant is too frequent to cause the disease. Based on the score and internal cut-off values, a variant classified as likely benign is not then subjected to further curation. The score for this variant resulted in a classification of likely benign for this disease.

Genetic Services Laboratory, University of Chicago
Classification: Likely benign. Last evaluated: 2014-03-17. Review status: criteria provided, single submitter. Criteria: ACMG Guidelines, 2007. Collection method: clinical testing. Allele origin: germline. Inheritance: Autosomal recessive inheritance.
Comment: Likely benign based on allele frequency in 1000 Genomes Project or ESP global frequency and its presence in a patient with a rare or unrelated disease phenotype. NOT Sanger confirmed

NM_152783.5(D2HGDH):c.423C>T (p.Pro141=)

Gene: D2HGDH (D-2-hydroxyglutarate dehydrogenase; plus strand). Cytogenetic location: 2q37.3.
Variant type: single nucleotide variant.
Coding change: c.423C>T on transcript NM_152783.5 (MANE Select); coding-DNA position 423, C replaced by T.
Protein change: p.Pro141=; no amino-acid change (proline 141 retained).
Molecular consequence: synonymous variant. On other transcripts: 5 prime UTR variant (1), non-coding transcript variant (1).
Genome position (GRCh38, 1-based): chr2:241,742,507, C>T. VCF-style: chr2-241742507-C-T. GRCh37 (hg19) VCF-style: chr2-242681922-C-T.
Other names: c.21C>T, p.Pro7= (NM_001287249.2); c.-122C>T (NM_001352824.2).
Identifiers: ClinVar variation 158419 (VCV000158419.23), dbSNP rs142473303, ClinGen allele CA171837.